The following is an entry in ClinVar:

NM_005506.4(SCARB2):c.1416A>C (p.Arg472Ser)

Gene: SCARB2 (scavenger receptor class B member 2; minus strand). Cytogenetic location: 4q21.1.
Variant type: single nucleotide variant.
Coding change: c.1416A>C on transcript NM_005506.4 (MANE Select); coding-DNA position 1416, A replaced by C.
Protein change: p.Arg472Ser; replaces arginine 472 with serine.
Molecular consequence: missense variant.
Genome position (GRCh38, 1-based): chr4:76,161,734, T>G on the plus strand (A>C on the coding strand, the complement: SCARB2 is on the minus strand). VCF-style: chr4-76161734-T-G. GRCh37 (hg19) VCF-style: chr4-77082887-T-G.
Other names: c.987A>C, p.Arg329Ser (NM_001204255.2); short protein forms R329S, R472S.
Identifiers: ClinVar variation 1053433 (VCV001053433.10), dbSNP rs1191433680, ClinGen allele CA357313020.

ClinVar aggregate classification (germline): Uncertain significance. Review status: criteria provided, multiple submitters, no conflicts (2 of 4 stars). 2 submissions from 2 submitters: Uncertain significance (2). Last evaluated 2022-08-23.

Conditions:
Action myoclonus-renal failure syndrome. Also called: MYOCLONUS-NEPHROPATHY SYNDROME; SCARB2-Related Action Myoclonus-Renal Failure Syndrome; EPILEPSY, PROGRESSIVE MYOCLONIC, 4, WITH RENAL FAILURE; EPILEPSY, PROGRESSIVE MYOCLONIC, 4, WITHOUT RENAL FAILURE. Identifiers: Orphanet 163696, MedGen C0751779, MeSH D020191, MONDO:0009699, OMIM 254900.
Progressive myoclonic epilepsy. Also called: Familial progressive myoclonic epilepsy; Myoclonus epilepsy; Progressive myoclonus epilepsy; Myoclonic Epilepsies, Progressive. Identifiers: Orphanet 308, Orphanet 98261, MedGen C0751778, MONDO:0020074.

Allele frequency attached by ClinVar (database versions not stated): gnomAD 0.00001.
gnomAD v4.1: 1 of 1,613,994 alleles (0.000062%); highest among the groups gnomAD compares: African/African-American, 0.0013%; no homozygotes.

Submissions (2):

Labcorp Genetics (formerly Invitae), Labcorp
Classification: Uncertain significance for Progressive myoclonic epilepsy. Last evaluated: 2022-08-23. Review status: criteria provided, single submitter. Criteria: Invitae Variant Classification Sherloc (09022015). Collection method: clinical testing. Allele origin: germline.
Comment: ClinVar contains an entry for this variant (Variation ID: 1053433). In summary, the available evidence is currently insufficient to determine the role of this variant in disease. Therefore, it has been classified as a Variant of Uncertain Significance. Algorithms developed to predict the effect of missense changes on protein structure and function are either unavailable or do not agree on the potential impact of this missense change (SIFT: "Deleterious"; PolyPhen-2: "Possibly Damaging"; Align-GVGD: "Class C0"). This variant has not been reported in the literature in individuals affected with SCARB2-related conditions. This variant is not present in population databases (gnomAD no frequency). This sequence change replaces arginine, which is basic and polar, with serine, which is neutral and polar, at codon 472 of the SCARB2 protein (p.Arg472Ser).

Fulgent Genetics
Classification: Uncertain significance for Action myoclonus-renal failure syndrome. Last evaluated: 2021-12-01. Review status: criteria provided, single submitter. Criteria: ACMG Guidelines, 2015. Collection method: clinical testing. Allele origin: unknown.